The following is an entry in ClinVar:

ClinVar aggregate classification (germline): Uncertain significance. Review status: criteria provided, multiple submitters, no conflicts (2 of 4 stars). 2 submissions from 2 submitters: Uncertain significance (2). Last evaluated 2024-05-29.

Conditions:
Cardiovascular phenotype. Identifiers: MedGen CN230736.
Catecholaminergic polymorphic ventricular tachycardia 1. Also called: RYR2-Related Catecholaminergic Polymorphic Ventricular Tachycardia; VENTRICULAR TACHYCARDIA, CATECHOLAMINERGIC POLYMORPHIC, 1, WITH OR WITHOUT ATRIAL DYSFUNCTION AND/OR DILATED CARDIOMYOPATHY; VENTRICULAR TACHYCARDIA, STRESS-INDUCED POLYMORPHIC 1. Identifiers: Orphanet 3286, MedGen C1631597, MONDO:0011484, OMIM 604772.

Submissions (2):

Ambry Genetics
Classification: Uncertain significance for Cardiovascular phenotype. Last evaluated: 2024-05-29. Review status: criteria provided, single submitter. Criteria: Ambry Variant Classification Scheme 2023. Collection method: clinical testing. Allele origin: germline.
Comment: The p.L433F variant (also known as c.1297C>T), located in coding exon 15 of the RYR2 gene, results from a C to T substitution at nucleotide position 1297. The leucine at codon 433 is replaced by phenylalanine, an amino acid with highly similar properties. This amino acid position is highly conserved in available vertebrate species. In addition, the in silico prediction for this alteration is inconclusive. Based on the available evidence, the clinical significance of this variant remains unclear.

Labcorp Genetics (formerly Invitae), Labcorp
Classification: Uncertain significance for Catecholaminergic polymorphic ventricular tachycardia 1. Last evaluated: 2024-02-16. Review status: criteria provided, single submitter. Criteria: Invitae Variant Classification Sherloc (09022015). Collection method: clinical testing. Allele origin: germline.
Comment: This sequence change replaces leucine, which is neutral and non-polar, with phenylalanine, which is neutral and non-polar, at codon 433 of the RYR2 protein (p.Leu433Phe). This variant is not present in population databases (gnomAD no frequency). This variant has not been reported in the literature in individuals affected with RYR2-related conditions. Advanced modeling of protein sequence and biophysical properties (such as structural, functional, and spatial information, amino acid conservation, physicochemical variation, residue mobility, and thermodynamic stability) performed at Invitae indicates that this missense variant is expected to disrupt RYR2 protein function with a positive predictive value of 95%. In summary, the available evidence is currently insufficient to determine the role of this variant in disease. Therefore, it has been classified as a Variant of Uncertain Significance.

NM_001035.3(RYR2):c.1297C>T (p.Leu433Phe)

Gene: RYR2 (ryanodine receptor 2; plus strand). Cytogenetic location: 1q43.
Variant type: single nucleotide variant.
Coding change: c.1297C>T on transcript NM_001035.3 (MANE Select); coding-DNA position 1297, C replaced by T.
Protein change: p.Leu433Phe; replaces leucine 433 with phenylalanine.
Molecular consequence: missense variant.
Genome position (GRCh38, 1-based): chr1:237,454,395, C>T. VCF-style: chr1-237454395-C-T. GRCh37 (hg19) VCF-style: chr1-237617695-C-T.
Other names: short protein forms L433F.
Identifiers: ClinVar variation 3315897 (VCV003315897.3).